The following is an entry in ClinVar:

NM_203447.4(DOCK8):c.5690C>T (p.Thr1897Ile)

Gene: DOCK8 (dedicator of cytokinesis 8; plus strand). Cytogenetic location: 9p24.3.
Variant type: single nucleotide variant.
Coding change: c.5690C>T on transcript NM_203447.4 (MANE Select); coding-DNA position 5690, C replaced by T.
Protein change: p.Thr1897Ile; replaces threonine 1897 with isoleucine.
Molecular consequence: missense variant.
Genome position (GRCh38, 1-based): chr9:446,479, C>T. VCF-style: chr9-446479-C-T. GRCh37 (hg19) VCF-style: chr9-446479-C-T.
Other names: c.5390C>T, p.Thr1797Ile (NM_001190458.2); c.5486C>T, p.Thr1829Ile (NM_001193536.2); short protein forms T1829I, T1797I, T1897I.
Identifiers: ClinVar variation 1509849 (VCV001509849.7), dbSNP rs780007909, ClinGen allele CA4959513.

ClinVar aggregate classification (germline): Uncertain significance (1 of 4 stars; one submission).

Allele frequency attached by ClinVar (database versions not stated): gnomAD exomes 0.00002 and 0.00003; gnomAD 0.00003 and 0.00002; ExAC 0.00001; TOPMed 0.00001.
gnomAD v4.1: 46 of 1,614,228 alleles (0.0028%); highest among the groups gnomAD compares: Middle Eastern, 0.016%; no homozygotes.

Submission:

Labcorp Genetics (formerly Invitae), Labcorp
Classification: Uncertain significance for Combined immunodeficiency due to DOCK8 deficiency. Last evaluated: 2022-02-10. Review status: criteria provided, single submitter. Criteria: Invitae Variant Classification Sherloc (09022015). Collection method: clinical testing. Allele origin: germline.
Comment: This sequence change replaces threonine, which is neutral and polar, with isoleucine, which is neutral and non-polar, at codon 1897 of the DOCK8 protein (p.Thr1897Ile). This variant is present in population databases (rs780007909, gnomAD 0.004%). In summary, the available evidence is currently insufficient to determine the role of this variant in disease. Therefore, it has been classified as a Variant of Uncertain Significance. Algorithms developed to predict the effect of missense changes on protein structure and function are either unavailable or do not agree on the potential impact of this missense change (SIFT: "Deleterious"; PolyPhen-2: "Probably Damaging"; Align-GVGD: "Class C0"). This variant has not been reported in the literature in individuals affected with DOCK8-related conditions.